The following is an entry in ClinVar:

NM_182961.4(SYNE1):c.2892+100C>T

Gene: SYNE1 (spectrin repeat containing nuclear envelope protein 1; minus strand). Cytogenetic location: 6q25.2.
Variant type: single nucleotide variant.
Coding change: c.2892+100C>T on transcript NM_182961.4 (MANE Select); 100 bases into the intron after coding-DNA position 2892, C replaced by T.
Molecular consequence: intron variant.
Genome position (GRCh38, 1-based): chr6:152,455,326, G>A on the plus strand (C>T on the coding strand, the complement: SYNE1 is on the minus strand). VCF-style: chr6-152455326-G-A. GRCh37 (hg19) VCF-style: chr6-152776461-G-A.
Other names: c.2913+100C>T (NM_033071.5).
Identifiers: ClinVar variation 674765 (VCV000674765.1), dbSNP rs17082707, ClinGen allele CA150200987.

ClinVar aggregate classification (germline): Benign (1 of 4 stars; one submission).

Allele frequency attached by ClinVar (database versions not stated): 1000 Genomes Project 0.04333; 1000 Genomes Project 30x 0.04497; TOPMed 0.05812; gnomAD 0.05911 and 0.06027.
gnomAD v4.1: 75,628 of 1,326,496 alleles (5.7%); highest among the groups gnomAD compares: Non-Finnish European, 6%; 2,446 homozygotes.

Submission:

GeneDx
Classification: Benign. Last evaluated: 2018-06-16. Review status: criteria provided, single submitter. Criteria: GeneDx Variant Classification (06012015). Collection method: clinical testing. Allele origin: germline. Affected: yes.
Comment: This variant is considered likely benign or benign based on one or more of the following criteria: it is a conservative change, it occurs at a poorly conserved position in the protein, it is predicted to be benign by multiple in silico algorithms, and/or has population frequency not consistent with disease.